The following is an entry in ClinVar:

ClinVar aggregate classification (germline): Pathogenic (0 of 4 stars; one submission).

Conditions:
Pyruvate dehydrogenase E1-alpha deficiency (PDHAD). Also called: ATAXIA, INTERMITTENT, WITH PYRUVATE DEHYDROGENASE DEFICIENCY; ATAXIA WITH LACTIC ACIDOSIS I; ATAXIA, INTERMITTENT, WITH ABNORMAL PYRUVATE METABOLISM; Ataxia, intermittent, with pyruvate dehydrogenase, or decarboxylase, deficiency. Identifiers: Orphanet 79243, MedGen C1839413, MONDO:0010717, OMIM 312170.

Submission:

PDHA1 Study Group, University Children’s Hospital, Paracelsus Medical University
Classification: Pathogenic for Pyruvate dehydrogenase E1-alpha deficiency. Last evaluated: 2024-10-15. Review status: no assertion criteria provided. Collection method: research. Allele origin: germline. Affected: yes. Observed: 1 variant allele.
Comment: The NM_000284.3:c.703_706del (p.Ala236GlnfsTer16) change is a frameshift variant in PDHA1 gene. This variant is predicted to result in nonsense-mediated decay (NMD). Last literature search: July 12, 2024. This variant is absent or extremely rare in population-based cohorts in the Genome Aggregation Database (gnomAD). Individuals harboring this variant presented with clinical features compatible with PDHA1-related PDHc deficiency. In summary, this variant meets criteria to be classified as pathogenic (P) for PDHA1-related PDHc deficiency based on the ACMG/AMP criteria applied: PVS1, PM2 (last assessment October 15, 2024).

Literature cited by the submitters: DOI 10.1093/brain/awaf430.

NM_000284.4(PDHA1):c.703_706del (p.Ala236fs)

Gene: PDHA1 (pyruvate dehydrogenase E1 subunit alpha 1; plus strand). Cytogenetic location: Xp22.12.
Variant type: Microsatellite.
Coding change: c.703_706del on transcript NM_000284.4 (MANE Select); coding-DNA positions 703 to 706, 4 bases deleted (AGAG; older notation c.703_706delAGAG).
Protein change: p.Ala236fs; shifts the reading frame from alanine 236.
Molecular consequence: frameshift variant.
Genome position (GRCh38, 1-based): chrX:19,355,448-19,355,451, AGAG deleted; deleting any 4 consecutive bases within chrX:19,355,445-19,355,451 gives the same sequence; the c. name uses the placement nearest the transcript's 3' end. VCF-style (leftmost placement, unchanged base first): chrX-19355444-TGAGA-T. GRCh37 (hg19) VCF-style: chrX-19373562-TGAGA-T.
Other names: c.817_820del, p.Ala274fs (NM_001173454.2); c.724_727del, p.Ala243fs (NM_001173455.2); c.610_613del, p.Ala205fs (NM_001173456.2); short protein forms A205fs, A236fs, A243fs, A274fs.
Identifiers: ClinVar variation 4070360 (VCV004070360.1).